The following is an entry in ClinVar:

NM_000384.3(APOB):c.10072A>C (p.Asn3358His)

Gene: APOB (apolipoprotein B; minus strand). Cytogenetic location: 2p24.1.
Variant type: single nucleotide variant.
Coding change: c.10072A>C on transcript NM_000384.3 (MANE Select); coding-DNA position 10072, A replaced by C.
Protein change: p.Asn3358His; replaces asparagine 3358 with histidine.
Molecular consequence: missense variant.
Genome position (GRCh38, 1-based): chr2:21,006,796, T>G on the plus strand (A>C on the coding strand, the complement: APOB is on the minus strand). VCF-style: chr2-21006796-T-G. GRCh37 (hg19) VCF-style: chr2-21229668-T-G.
Other names: short protein forms N3358H.
Identifiers: ClinVar variation 979094 (VCV000979094.4), dbSNP rs1663155110, ClinGen allele CA345987602.

ClinVar aggregate classification (germline): Uncertain significance. Review status: criteria provided, multiple submitters, no conflicts (2 of 4 stars). 2 submissions from 2 submitters: Uncertain significance (2). Last evaluated 2022-10-30.

Conditions:
Familial hypobetalipoproteinemia 1. Also called: APOB-Related Familial Hypobetalipoproteinemia; Hypobetalipoproteinemia, normotriglyceridemic; Acanthocytosis with hypobetalipoproteinemia. Identifiers: MedGen C4551990, MONDO:0014252, OMIM 615558.
Hypercholesterolemia, autosomal dominant, type B (FHCL2). Also called: Familial Hypercholesterolemia Type B; APOLIPOPROTEIN B-100, FAMILIAL DEFECTIVE; APOLIPOPROTEIN B-100, FAMILIAL LIGAND-DEFECTIVE; APOB-Related Familial Hypercholesterolemia, Autosomal Dominant; Familial hypercholesterolemia 2; Hyperlipoproteinemia Type IIb. Identifiers: MedGen C1704417, MONDO:0007751, OMIM 144010.
Familial hypercholesterolemia. Also called: Familial hypercholesterolemias; Familial hypercholesterolaemia. Identifiers: MedGen C0020445, MONDO:0005439.

Submissions (2):

Labcorp Genetics (formerly Invitae), Labcorp
Classification: Uncertain significance for Familial hypobetalipoproteinemia 1; Hypercholesterolemia, autosomal dominant, type B. Last evaluated: 2022-10-30. Review status: criteria provided, single submitter. Criteria: Invitae Variant Classification Sherloc (09022015). Collection method: clinical testing. Allele origin: germline.
Comment: This sequence change replaces asparagine, which is neutral and polar, with histidine, which is basic and polar, at codon 3358 of the APOB protein (p.Asn3358His). This variant is not present in population databases (gnomAD no frequency). This variant has not been reported in the literature in individuals affected with APOB-related conditions. ClinVar contains an entry for this variant (Variation ID: 979094). Advanced modeling of protein sequence and biophysical properties (such as structural, functional, and spatial information, amino acid conservation, physicochemical variation, residue mobility, and thermodynamic stability) performed at Invitae indicates that this missense variant is not expected to disrupt APOB protein function. In summary, the available evidence is currently insufficient to determine the role of this variant in disease. Therefore, it has been classified as a Variant of Uncertain Significance.

Human Genome Sequencing Center Clinical Lab, Baylor College of Medicine
Classification: Uncertain significance for Familial hypercholesterolemia. Review status: criteria provided, single submitter. Criteria: ACMG Guidelines, 2015. Collection method: clinical testing. Allele origin: germline.